The following is an entry in ClinVar:

ClinVar aggregate classification (germline): Uncertain significance. Review status: criteria provided, multiple submitters, no conflicts (2 of 4 stars). 2 submissions from 2 submitters: Uncertain significance (2). Last evaluated 2021-03-23.

Allele frequency attached by ClinVar (database versions not stated): gnomAD 0.00001; gnomAD exomes 0.00001; ExAC 0.00003; ESP Exome Variant Server 0.00015.
gnomAD v4.1: 15 of 1,613,346 alleles (0.00093%); highest among the groups gnomAD compares: Non-Finnish European, 0.0013%; no homozygotes.

Submissions (2):

Labcorp Genetics (formerly Invitae), Labcorp
Classification: Uncertain significance. Last evaluated: 2021-03-23. Review status: criteria provided, single submitter. Criteria: Invitae Variant Classification Sherloc (09022015). Collection method: clinical testing. Allele origin: germline.
Comment: In summary, the available evidence is currently insufficient to determine the role of this variant in disease. Therefore, it has been classified as a Variant of Uncertain Significance. This sequence change replaces glycine with tryptophan at codon 49 of the CNGA3 protein (p.Gly49Trp). The glycine residue is weakly conserved and there is a large physicochemical difference between glycine and tryptophan. This variant is present in population databases (rs142681231, ExAC 0.005%). This variant has not been reported in the literature in individuals with CNGA3-related conditions. Advanced modeling of protein sequence and biophysical properties (such as structural, functional, and spatial information, amino acid conservation, physicochemical variation, residue mobility, and thermodynamic stability) performed at Invitae indicates that this missense variant is not expected to disrupt CNGA3 protein function.

Blueprint Genetics
Classification: Uncertain significance. Last evaluated: 2021-02-03. Review status: criteria provided, single submitter. Criteria: ACMG Guidelines, 2015. Collection method: clinical testing. Allele origin: germline.

NM_001298.3(CNGA3):c.145G>T (p.Gly49Trp)

Gene: CNGA3 (cyclic nucleotide gated channel subunit alpha 3; plus strand). Cytogenetic location: 2q11.2.
Variant type: single nucleotide variant.
Coding change: c.145G>T on transcript NM_001298.3 (MANE Select); coding-DNA position 145, G replaced by T.
Protein change: p.Gly49Trp; replaces glycine 49 with tryptophan.
Molecular consequence: missense variant.
Genome position (GRCh38, 1-based): chr2:98,377,730, G>T. VCF-style: chr2-98377730-G-T. GRCh37 (hg19) VCF-style: chr2-98994193-G-T.
Other names: c.145G>T, p.Gly49Trp (NM_001079878.2); short protein forms G49W.
Identifiers: ClinVar variation 1364790 (VCV001364790.9), dbSNP rs142681231, ClinGen allele CA1793591.
Genomic context (GRCh38, chr2:98,377,730, plus strand): 5'-CATATCTGATTTCCTAGAGCCCACTCGTCAAGTGAGGAGACATCGTCAGTGCTGCAGCCG[G>T]GGATCGCCATGGAGACCAGAGGACTGGCTGACTCCGGGCAGGGCTCCTTCACCGGCCAGG-3'
Protein context (NP_001289.1, residues 39-59): SEETSSVLQP[Gly49Trp]IAMETRGLAD